The following is an entry in ClinVar:

NM_020975.6(RET):c.738C>G (p.His246Gln)

Gene: RET (ret proto-oncogene; plus strand). Cytogenetic location: 10q11.21.
Variant type: single nucleotide variant.
Coding change: c.738C>G on transcript NM_020975.6 (MANE Select); coding-DNA position 738, C replaced by G.
Protein change: p.His246Gln; replaces histidine 246 with glutamine.
Molecular consequence: missense variant.
Genome position (GRCh38, 1-based): chr10:43,105,064, C>G. VCF-style: chr10-43105064-C-G. GRCh37 (hg19) VCF-style: chr10-43600512-C-G.
Other names: c.738C>G, p.His246Gln (NM_000323.2, NM_001406743.1, NM_001406744.1 and 8 more transcripts); c.-25C>G (NM_001355216.2); c.609C>G, p.His203Gln (NM_001406761.1, NM_001406762.1, NM_001406764.1 and 2 more transcripts); c.450C>G, p.His150Gln (NM_001406766.1, NM_001406767.1, NM_001406770.1); short protein forms H150Q, H246Q, H203Q.
Identifiers: ClinVar variation 1758639 (VCV001758639.7), dbSNP rs769279838, ClinGen allele CA376544812.

ClinVar aggregate classification (germline): Conflicting classifications of pathogenicity. Review status: criteria provided, conflicting classifications (1 of 4 stars). 2 submissions from 2 submitters: Uncertain significance (1); Likely benign (1). Last evaluated 2026-08-27.

Conditions:
Hereditary cancer-predisposing syndrome. Also called: Hereditary Cancer Syndrome; Hereditary neoplastic syndrome; Neoplastic Syndromes, Hereditary; Tumor predisposition. Identifiers: Orphanet 140162, MedGen C0027672, MeSH D009386, MONDO:0015356.
Multiple endocrine neoplasia, type 2 (MEN2). Identifiers: Orphanet 653, MedGen C4048306, MONDO:0019003. Disease mechanism: gain of function.

Allele frequency attached by ClinVar (database versions not stated): gnomAD 0.00001.
gnomAD v4.1: 1 of 1,609,788 alleles (0.000062%); highest among the groups gnomAD compares: African/African-American, 0.0013%; no homozygotes.

Submissions (2):

Ambry Genetics
Classification: Likely benign for Hereditary cancer-predisposing syndrome. Last evaluated: 2026-08-27. Review status: criteria provided, single submitter. Criteria: Ambry Variant Classification Scheme 2023. Collection method: clinical testing. Allele origin: germline.

Labcorp Genetics (formerly Invitae), Labcorp
Classification: Uncertain significance for Multiple endocrine neoplasia, type 2. Last evaluated: 2025-07-17. Review status: criteria provided, single submitter. Criteria: Invitae Variant Classification Sherloc (09022015). Collection method: clinical testing. Allele origin: germline.
Comment: This sequence change replaces histidine, which is basic and polar, with glutamine, which is neutral and polar, at codon 246 of the RET protein (p.His246Gln). This variant is not present in population databases (gnomAD no frequency). This variant has not been reported in the literature in individuals affected with RET-related conditions. ClinVar contains an entry for this variant (Variation ID: 1758639). An algorithm developed to predict the effect of missense changes on protein structure and function outputs the following: PolyPhen-2: "Benign". The glutamine amino acid residue is found in multiple mammalian species, which suggests that this missense change does not adversely affect protein function. In summary, the available evidence is currently insufficient to determine the role of this variant in disease. Therefore, it has been classified as a Variant of Uncertain Significance.